The following is an entry in ClinVar:

ClinVar aggregate classification (germline): Likely benign (0 of 4 stars; one submission).

Conditions:
CSMD3-related disorder. Also called: CSMD3-related condition.

Allele frequency attached by ClinVar (database versions not stated): ExAC 0.00853.

Submission:

PreventionGenetics, part of Exact Sciences
Classification: Likely benign for CSMD3-related condition. Last evaluated: 2019-02-24. Review status: no assertion criteria provided. Collection method: clinical testing. Allele origin: germline.
Comment: This variant is classified as likely benign based on ACMG/AMP sequence variant interpretation guidelines (Richards et al. 2015 PMID: 25741868, with internal and published modifications).

NM_198123.2(CSMD3):c.4896-3_4896-2insT

Gene: CSMD3 (CUB and Sushi multiple domains 3; minus strand). Cytogenetic location: 8q23.3.
Variant type: Insertion.
Coding change: c.4896-3_4896-2insT on transcript NM_198123.2 (MANE Select); 3 bases into the intron before coding-DNA position 4896 through the canonical splice acceptor site of the intron before coding-DNA position 4896, T inserted.
Molecular consequence: intron variant.
Genome position: GRCh38 VCF-style: chr8-112503979-T-TA. GRCh37 (hg19) VCF-style: chr8-113516208-T-TA.
Other names: c.4506-3_4506-2insT (NM_001363185.1); c.4584-3_4584-2insT (NM_052900.3); c.4776-3_4776-2insT (NM_198124.2).
Identifiers: ClinVar variation 3059225 (VCV003059225.2), dbSNP rs746839003, ClinGen allele CA4850011.